The following is an entry in ClinVar:

ClinVar aggregate classification (germline): Likely benign (0 of 4 stars; one submission).

Conditions:
TTC14-related disorder. Also called: TTC14-related condition.

Allele frequency attached by ClinVar (database versions not stated): 1000 Genomes Project 30x 0.00016; ESP Exome Variant Server 0.00115; gnomAD 0.00126.
gnomAD v4.1: 3,460 of 1,613,830 alleles (0.21%); highest among the groups gnomAD compares: Non-Finnish European, 0.27%; 4 homozygotes.

Submission:

PreventionGenetics, part of Exact Sciences
Classification: Likely benign for TTC14-related condition. Last evaluated: 2022-08-21. Review status: no assertion criteria provided. Collection method: clinical testing. Allele origin: germline.
Comment: This variant is classified as likely benign based on ACMG/AMP sequence variant interpretation guidelines (Richards et al. 2015 PMID: 25741868, with internal and published modifications).

NM_133462.4(TTC14):c.1513C>T (p.His505Tyr)

Gene: TTC14 (tetratricopeptide repeat domain 14; plus strand). Cytogenetic location: 3q26.33.
Variant type: single nucleotide variant.
Coding change: c.1513C>T on transcript NM_133462.4 (MANE Select); coding-DNA position 1513, C replaced by T.
Protein change: p.His505Tyr; replaces histidine 505 with tyrosine.
Molecular consequence: missense variant. On other transcripts: 3 prime UTR variant (1).
Genome position (GRCh38, 1-based): chr3:180,609,742, C>T. VCF-style: chr3-180609742-C-T. GRCh37 (hg19) VCF-style: chr3-180327530-C-T.
Other names: c.*1947C>T (NM_001042601.3); c.1513C>T, p.His505Tyr (NM_001288582.2); short protein forms H505Y.
Identifiers: ClinVar variation 3045653 (VCV003045653.2), dbSNP rs146810036, ClinGen allele CA2715405.